The following is an entry in ClinVar:

NM_001048174.2(MUTYH):c.1499T>A (p.Val500Asp)

Gene: MUTYH (mutY DNA glycosylase; minus strand). Cytogenetic location: 1p34.1.
Variant type: single nucleotide variant.
Coding change: c.1499T>A on transcript NM_001048174.2 (MANE Select); coding-DNA position 1499, T replaced by A.
Protein change: p.Val500Asp; replaces valine 500 with aspartic acid.
Molecular consequence: missense variant. On other transcripts: non-coding transcript variant (7).
Genome position (GRCh38, 1-based): chr1:45,329,373, A>T on the plus strand (T>A on the coding strand, the complement: MUTYH is on the minus strand). VCF-style: chr1-45329373-A-T. GRCh37 (hg19) VCF-style: chr1-45795045-A-T.
Other names: c.1499T>A, p.Val500Asp (NM_001048171.2, NM_001048173.2, NM_001293195.2 and 6 more transcripts); c.1502T>A, p.Val501Asp (NM_001048172.2, NM_001407071.1, NM_001407078.1 and 1 more transcripts); c.1583T>A, p.Val528Asp (NM_001128425.2); c.1544T>A, p.Val515Asp (NM_001293190.2); c.1532T>A, p.Val511Asp (NM_001293191.2, NM_001407069.1, NM_001407077.1); c.1223T>A, p.Val408Asp (NM_001293192.2, NM_001293196.2, NM_001407091.1); c.1154T>A, p.Val385Asp (NM_001350650.2, NM_001350651.2, NM_001407082.1); c.1415T>A, p.Val472Asp (NM_001407075.1); and 5 more; short protein forms V385D, V486D, V487D, V507D, V525D, V408D, V472D, V501D.
Identifiers: ClinVar variation 4113397 (VCV004113397.1).

ClinVar aggregate classification (germline): Uncertain significance (1 of 4 stars; one submission).

Conditions:
Hereditary cancer-predisposing syndrome. Also called: Tumor predisposition; Neoplastic Syndromes, Hereditary; Hereditary neoplastic syndrome; Hereditary Cancer Syndrome. Identifiers: Orphanet 140162, MedGen C0027672, MeSH D009386, MONDO:0015356.

Submission:

Ambry Genetics
Classification: Uncertain significance for Hereditary cancer-predisposing syndrome. Last evaluated: 2025-08-27. Review status: criteria provided, single submitter. Criteria: Ambry Variant Classification Scheme 2023. Collection method: clinical testing. Allele origin: germline.
Comment: The p.V528D variant (also known as c.1583T>A), located in coding exon 16 of the MUTYH gene, results from a T to A substitution at nucleotide position 1583. The valine at codon 528 is replaced by aspartic acid, an amino acid with highly dissimilar properties. This amino acid position is conserved. In addition, this alteration is predicted to be tolerated by in silico analysis. Based on the available evidence, the clinical significance of this variant remains unclear.